The following is an entry in ClinVar:

NM_001453.3(FOXC1):c.667A>T (p.Ile223Phe)

Gene: FOXC1 (forkhead box C1; plus strand). Cytogenetic location: 6p25.3.
Variant type: single nucleotide variant.
Coding change: c.667A>T on transcript NM_001453.3 (MANE Select); coding-DNA position 667, A replaced by T.
Protein change: p.Ile223Phe; replaces isoleucine 223 with phenylalanine.
Molecular consequence: missense variant.
Genome position (GRCh38, 1-based): chr6:1,611,112, A>T. VCF-style: chr6-1611112-A-T. GRCh37 (hg19) VCF-style: chr6-1611347-A-T.
Other names: short protein forms I223F.
Identifiers: ClinVar variation 3717466 (VCV003717466.2).

ClinVar aggregate classification (germline): Uncertain significance (1 of 4 stars; one submission).

Conditions:
Axenfeld-Rieger syndrome type 3 (RIEG3). Also called: AXENFELD-RIEGER ANOMALY WITH CARDIAC DEFECTS AND/OR SENSORINEURAL HEARING LOSS. Identifiers: Orphanet 782, MedGen C2678503, MONDO:0011233, OMIM 602482.

Submission:

Labcorp Genetics (formerly Invitae), Labcorp
Classification: Uncertain significance for Axenfeld-Rieger syndrome type 3. Last evaluated: 2025-07-27. Review status: criteria provided, single submitter. Criteria: Invitae Variant Classification Sherloc (09022015). Collection method: clinical testing. Allele origin: germline.
Comment: This sequence change replaces isoleucine, which is neutral and non-polar, with phenylalanine, which is neutral and non-polar, at codon 223 of the FOXC1 protein (p.Ile223Phe). This variant is present in population databases (rs780537192, gnomAD 0.01%). This variant has not been reported in the literature in individuals affected with FOXC1-related conditions. ClinVar contains an entry for this variant (Variation ID: 3717466). An algorithm developed to predict the effect of missense changes on protein structure and function (PolyPhen-2) suggests that this variant is likely to be disruptive. In summary, the available evidence is currently insufficient to determine the role of this variant in disease. Therefore, it has been classified as a Variant of Uncertain Significance.